The following is an entry in ClinVar:

ClinVar aggregate classification (germline): Uncertain significance. Review status: criteria provided, multiple submitters, no conflicts (2 of 4 stars). 2 submissions from 2 submitters: Uncertain significance (2). Last evaluated 2024-03-25.

Conditions:
Familial acute necrotizing encephalopathy (IIAE3). Also called: ENCEPHALOPATHY, ACUTE, INFECTION-INDUCED, SUSCEPTIBILITY TO, 3; Susceptibility to Acute Necrotizing Encephalopathy 1. Identifiers: Orphanet 88619, MedGen C2675556, MONDO:0011953, OMIM 608033.

gnomAD v4.1: 14 of 1,613,814 alleles (0.00087%); highest among the groups gnomAD compares: East Asian, 0.0067%; no homozygotes.

Submissions (2):

Ambry Genetics
Classification: Uncertain significance. Last evaluated: 2024-03-25. Review status: criteria provided, single submitter. Criteria: Ambry Variant Classification Scheme 2023. Collection method: clinical testing. Allele origin: germline.

Labcorp Genetics (formerly Invitae), Labcorp
Classification: Uncertain significance for Familial acute necrotizing encephalopathy. Last evaluated: 2020-08-29. Review status: criteria provided, single submitter. Criteria: Invitae Variant Classification Sherloc (09022015). Collection method: clinical testing. Allele origin: germline.
Comment: In summary, the available evidence is currently insufficient to determine the role of this variant in disease. Therefore, it has been classified as a Variant of Uncertain Significance. Algorithms developed to predict the effect of missense changes on protein structure and function (SIFT, PolyPhen-2, Align-GVGD) all suggest that this variant is likely to be tolerated, but these predictions have not been confirmed by published functional studies and their clinical significance is uncertain. This variant has not been reported in the literature in individuals with RANBP2-related conditions. This variant is not present in population databases (ExAC no frequency). This sequence change replaces valine with leucine at codon 1348 of the RANBP2 protein (p.Val1348Leu). The valine residue is weakly conserved and there is a small physicochemical difference between valine and leucine.

NM_006267.5(RANBP2):c.4042G>C (p.Val1348Leu)

Gene: RANBP2 (RAN binding protein 2; plus strand). Cytogenetic location: 2q13.
Variant type: single nucleotide variant.
Coding change: c.4042G>C on transcript NM_006267.5 (MANE Select); coding-DNA position 4042, G replaced by C.
Protein change: p.Val1348Leu; replaces valine 1348 with leucine.
Molecular consequence: missense variant.
Genome position (GRCh38, 1-based): chr2:108,764,581, G>C. VCF-style: chr2-108764581-G-C. GRCh37 (hg19) VCF-style: chr2-109381037-G-C.
Other names: c.4042G>C (NM_006267.4); short protein forms V1348L.
Identifiers: ClinVar variation 1064286 (VCV001064286.11), dbSNP rs139246606, ClinGen allele CA53453667.